The following is an entry in ClinVar:

ClinVar aggregate classification (germline): Likely benign. Review status: criteria provided, multiple submitters, no conflicts (2 of 4 stars). 3 submissions from 3 submitters: Likely benign (2). 1 of the submissions does not count toward it. Last evaluated 2025-10-06.

Conditions:
GYS1-related disorder. Also called: GYS1-related condition.
Glycogen storage disease due to muscle and heart glycogen synthase deficiency. Also called: MUSCLE GLYCOGEN SYNTHASE DEFICIENCY; GSD 0b. Identifiers: Orphanet 137625, MedGen C1969054, MONDO:0012693, OMIM 611556.

Allele frequency attached by ClinVar (database versions not stated): gnomAD exomes 0.00005 and 0.00009; TOPMed 0.00005; ExAC 0.00006; gnomAD 0.00007 and 0.00008; ESP Exome Variant Server 0.00008.
gnomAD v4.1: 144 of 1,610,406 alleles (0.0089%); highest among the groups gnomAD compares: Non-Finnish European, 0.011%; no homozygotes.

Submissions (3):

Labcorp Genetics (formerly Invitae), Labcorp
Classification: Likely benign for Glycogen storage disease due to muscle and heart glycogen synthase deficiency. Last evaluated: 2025-10-06. Review status: criteria provided, single submitter. Criteria: Invitae Variant Classification Sherloc (09022015). Collection method: clinical testing. Allele origin: germline.

GeneDx
Classification: Likely benign. Last evaluated: 2016-09-12. Review status: criteria provided, single submitter. Criteria: GeneDx Variant Classification (06012015). Collection method: clinical testing. Allele origin: germline. Affected: yes.
Comment: This variant is considered likely benign or benign based on one or more of the following criteria: it is a conservative change, it occurs at a poorly conserved position in the protein, it is predicted to be benign by multiple in silico algorithms, and/or has population frequency not consistent with disease.

PreventionGenetics, part of Exact Sciences
Classification: Likely benign for GYS1-related condition. Last evaluated: 2024-08-07. Review status: no assertion criteria provided. Collection method: clinical testing. Allele origin: germline. Not counted in ClinVar's aggregate classification.
Comment: This variant is classified as likely benign based on ACMG/AMP sequence variant interpretation guidelines (Richards et al. 2015 PMID: 25741868, with internal and published modifications).

NM_002103.5(GYS1):c.1551T>G (p.Ala517=)

Genes: GYS1 (glycogen synthase 1; minus strand), LOC119369037 (CRISPRi-FlowFISH-validated FTL regulatory element 4; plus strand). Cytogenetic location: 19q13.33.
Variant type: single nucleotide variant.
Coding change: c.1551T>G on transcript NM_002103.5 (MANE Select); coding-DNA position 1551, T replaced by G.
Protein change: p.Ala517=; no amino-acid change (alanine 517 retained).
Molecular consequence: synonymous variant. On other transcripts: non-coding transcript variant (1).
Genome position (GRCh38, 1-based): chr19:48,971,022, A>C on the plus strand (T>G on the coding strand, the complement: GYS1 is on the minus strand). VCF-style: chr19-48971022-A-C. GRCh37 (hg19) VCF-style: chr19-49474279-A-C.
Other names: c.1359T>G, p.Ala453= (NM_001161587.2).
Identifiers: ClinVar variation 383492 (VCV000383492.10), dbSNP rs368021148, ClinGen allele CA9562903.
Genomic context (GRCh38, chr19:48,971,022, plus strand): 5'-GAAGCAGCCGAAGCCGGAGAGATTGGTGGAGATACTGGGGATTCCCATAACCGTGCACTC[A>C]GCTGCGGGAAGGCAGGAGAGAGACCCACTTAGCTTCCCTCATCGCCTACCGTCTTAATCG-3'
Protein context (NP_002094.2, residues 507-527): SYYEPWGYTP[Ala517=]ECTVMGIPSI